The following is an entry in ClinVar:

ClinVar aggregate classification (germline): Uncertain significance. Review status: criteria provided, multiple submitters, no conflicts (2 of 4 stars). 4 submissions from 4 submitters: Uncertain significance (4). Last evaluated 2025-12-01.

Conditions:
Epidermolysis bullosa simplex 5B, with muscular dystrophy (EBS5B). Also called: Epidermolysis bullosa simplex with muscular dystrophy; EPIDERMOLYSIS BULLOSA SIMPLEX AND LIMB-GIRDLE MUSCULAR DYSTROPHY. Identifiers: Orphanet 257, MedGen C2931072, MONDO:0009181, OMIM 226670.
Epidermolysis bullosa simplex, Ogna type (EBS5A). Also called: Pidermolysis bullosa simplex 5A, Ogna type; EPIDERMOLYSIS BULLOSA SIMPLEX 5A, OGNA TYPE. Identifiers: Orphanet 79401, MedGen C0432317, MONDO:0007555, OMIM 131950.
Autosomal recessive limb-girdle muscular dystrophy type 2Q (LGMDR17). Also called: MUSCULAR DYSTROPHY, LIMB-GIRDLE, AUTOSOMAL RECESSIVE 17. Identifiers: Orphanet 254361, MedGen C3150989, MONDO:0013390, OMIM 613723.
Epidermolysis bullosa simplex 5C, with pyloric atresia (EBS5C). Also called: PLEC-Related Epidermolysis Bullosa with Pyloric Atresia; Epidermolysis bullosa simplex with pyloric atresia; PLEC1-Related Epidermolysis Bullosa with Pyloric Atresia. Identifiers: Orphanet 158684, MedGen C2677349, MONDO:0012807, OMIM 612138.
Epidermolysis bullosa simplex with nail dystrophy (EBS5D). Identifiers: MedGen C4225309, MONDO:0014661, OMIM 616487.
Inborn genetic diseases. Identifiers: MedGen C0950123, MeSH D030342.

Allele frequency attached by ClinVar (database versions not stated): gnomAD exomes 0.00001; ExAC 0.00002; gnomAD 0.00002 and 0.00003; TOPMed 0.00002; 1000 Genomes Project 30x 0.00016; 1000 Genomes Project 0.00020.
gnomAD v4.1: 17 of 1,602,490 alleles (0.0011%); highest among the groups gnomAD compares: Middle Eastern, 0.016%; no homozygotes.

Submissions (4):

CeGaT Center for Human Genetics Tuebingen
Classification: Uncertain significance. Last evaluated: 2025-12-01. Review status: criteria provided, single submitter. Criteria: CeGaT Center For Human Genetics Tuebingen Variant Classification Criteria Version 2. Collection method: clinical testing. Allele origin: germline. Affected: yes. Observed: 1 variant allele.
Comment: PLEC: PM2

Labcorp Genetics (formerly Invitae), Labcorp
Classification: Uncertain significance for Autosomal recessive limb-girdle muscular dystrophy type 2Q; Epidermolysis bullosa simplex, Ogna type; Epidermolysis bullosa simplex with nail dystrophy; Epidermolysis bullosa simplex 5C, with pyloric atresia; Epidermolysis bullosa simplex 5B, with muscular dystrophy. Last evaluated: 2025-07-30. Review status: criteria provided, single submitter. Criteria: Invitae Variant Classification Sherloc (09022015). Collection method: clinical testing. Allele origin: germline.
Comment: This sequence change replaces arginine, which is basic and polar, with histidine, which is basic and polar, at codon 2279 of the PLEC protein (p.Arg2279His). The frequency data for this variant in the population databases is considered unreliable, as metrics indicate poor data quality at this position in the gnomAD database. This variant has not been reported in the literature in individuals affected with PLEC-related conditions. ClinVar contains an entry for this variant (Variation ID: 952459). An algorithm developed to predict the effect of missense changes on protein structure and function (PolyPhen-2) suggests that this variant is likely to be disruptive. In summary, the available evidence is currently insufficient to determine the role of this variant in disease. Therefore, it has been classified as a Variant of Uncertain Significance.

Ambry Genetics
Classification: Uncertain significance for Inborn genetic diseases. Last evaluated: 2025-05-01. Review status: criteria provided, single submitter. Criteria: Ambry Variant Classification Scheme 2023. Collection method: clinical testing. Allele origin: germline.

Clinical Genetics Laboratory, Skane University Hospital Lund
Classification: Uncertain significance. Last evaluated: 2023-10-12. Review status: criteria provided, single submitter. Criteria: ACMG Guidelines, 2015. Collection method: clinical testing. Allele origin: germline. Affected: yes.

NM_201384.3(PLEC):c.6755G>A (p.Arg2252His)

Gene: PLEC (plectin; minus strand). Cytogenetic location: 8q24.3.
Variant type: single nucleotide variant.
Coding change: c.6755G>A on transcript NM_201384.3 (MANE Select); coding-DNA position 6755, G replaced by A.
Protein change: p.Arg2252His; replaces arginine 2252 with histidine.
Molecular consequence: missense variant.
Genome position (GRCh38, 1-based): chr8:143,923,174, C>T on the plus strand (G>A on the coding strand, the complement: PLEC is on the minus strand). VCF-style: chr8-143923174-C-T. GRCh37 (hg19) VCF-style: chr8-144997342-C-T.
Other names: c.6836G>A (NM_000445.3); c.6836G>A, p.Arg2279His (NM_000445.5); c.6713G>A, p.Arg2238His (NM_201378.4); c.6689G>A, p.Arg2230His (NM_201379.3); c.7166G>A, p.Arg2389His (NM_201380.4); c.6659G>A, p.Arg2220His (NM_201381.3); c.6755G>A, p.Arg2252His (NM_201382.4); c.6767G>A, p.Arg2256His (NM_201383.3); short protein forms R2220H, R2230H, R2256H, R2389H, R2252H, R2279H, R2238H.
Identifiers: ClinVar variation 952459 (VCV000952459.13), dbSNP rs534585094, ClinGen allele CA4925875.